The following is an entry in ClinVar:

ClinVar aggregate classification (germline): Likely benign. Review status: criteria provided, multiple submitters, no conflicts (2 of 4 stars). 6 submissions from 6 submitters: Likely benign (5). 1 of the submissions does not count toward it. Last evaluated 2026-01-28.

Conditions:
Autosomal recessive nonsyndromic hearing loss 23. Identifiers: Orphanet 90636, MedGen C1836027, MONDO:0012293, OMIM 609533.
Usher syndrome type 1D (USH1D). Also called: USHER SYNDROME, TYPE ID. Identifiers: Orphanet 231169, Orphanet 886, MedGen C1832845, MONDO:0010984, OMIM 601067.
Usher syndrome type 1F (USH1F). Also called: USHER SYNDROME, TYPE IF. Identifiers: Orphanet 231169, Orphanet 886, MedGen C1865885, MONDO:0011186, OMIM 602083.
PCDH15-related disorder. Also called: PCDH15-related disorders; PCDH15-related condition.

Allele frequency attached by ClinVar (database versions not stated): ExAC 0.00009; gnomAD exomes 0.00009; gnomAD 0.00026 and 0.00028; TOPMed 0.00054.
gnomAD v4.1: 150 of 1,560,462 alleles (0.0096%); highest among the groups gnomAD compares: Admixed American, 0.069%; no homozygotes.

Submissions (6):

Labcorp Genetics (formerly Invitae), Labcorp
Classification: Likely benign. Last evaluated: 2026-01-28. Review status: criteria provided, single submitter. Criteria: Invitae Variant Classification Sherloc (09022015). Collection method: clinical testing. Allele origin: germline.

PreventionGenetics, part of Exact Sciences
Classification: Likely benign for PCDH15-related condition. Last evaluated: 2025-02-06. Review status: criteria provided, single submitter. Criteria: ACMG Guidelines, 2015. Collection method: clinical testing. Allele origin: germline.
Comment: This variant is classified as likely benign based on ACMG/AMP sequence variant interpretation guidelines (Richards et al. 2015 PMID: 25741868, with internal and published modifications).

Blueprint Genetics
Classification: Likely benign. Last evaluated: 2024-08-28. Review status: criteria provided, single submitter. Criteria: ACMG Guidelines, 2015. Collection method: clinical testing. Allele origin: germline.

GeneDx
Classification: Likely benign. Last evaluated: 2021-09-02. Review status: criteria provided, single submitter. Criteria: GeneDx Variant Classification Process June 2021. Collection method: clinical testing. Allele origin: germline. Affected: yes.

Fulgent Genetics
Classification: Likely benign for Usher syndrome type 1D; Usher syndrome type 1F; Autosomal recessive nonsyndromic hearing loss 23. Last evaluated: 2021-07-25. Review status: criteria provided, single submitter. Criteria: ACMG Guidelines, 2015. Collection method: clinical testing. Allele origin: unknown.

Natera, Inc.
Classification: Uncertain significance for Usher syndrome type 1F. Last evaluated: 2020-01-24. Review status: no assertion criteria provided. Collection method: clinical testing. Allele origin: germline. Not counted in ClinVar's aggregate classification.

NM_001384140.1(PCDH15):c.3502-6G>A

Gene: PCDH15 (protocadherin related 15; minus strand). Cytogenetic location: 10q21.1.
Variant type: single nucleotide variant.
Coding change: c.3502-6G>A on transcript NM_001384140.1 (MANE Select); 6 bases into the intron before coding-DNA position 3502, G replaced by A.
Molecular consequence: intron variant.
Genome position (GRCh38, 1-based): chr10:53,866,863, C>T on the plus strand (G>A on the coding strand, the complement: PCDH15 is on the minus strand). VCF-style: chr10-53866863-C-T. GRCh37 (hg19) VCF-style: chr10-55626623-C-T.
Other names: c.3502-6G>A (NM_001354420.2, NM_001354429.2, NM_001142772.2 and 4 more transcripts); c.3517-6G>A (NM_001142771.2, NM_001142763.2); c.3523-6G>A (NM_001354411.2); c.3538-6G>A (NM_001142769.3); c.3436-6G>A (NM_001354404.2, NM_001142773.2, NM_001142768.2); c.3391-6G>A (NM_001142767.2); c.3289-6G>A (NM_001142765.2).
Identifiers: ClinVar variation 758754 (VCV000758754.16), dbSNP rs749897896, ClinGen allele CA5505621.